The following is an entry in ClinVar:

ClinVar aggregate classification (germline): Conflicting classifications of pathogenicity. Review status: criteria provided, conflicting classifications (1 of 4 stars). 5 submissions from 5 submitters: Uncertain significance (1); Benign (1); Likely benign (3). Last evaluated 2026-02-01.

Conditions:
Citrin deficiency. Identifiers: Orphanet 247582, MedGen C1997910, MONDO:0016602.
Citrullinemia type II. Also called: Citrullinemia Type II (CTLN2). Identifiers: Orphanet 247585, MedGen C1863844, MONDO:0016603.

Allele frequency attached by ClinVar (database versions not stated): gnomAD 0.00167 and 0.00178; 1000 Genomes Project 30x 0.00172; 1000 Genomes Project 0.00200; TOPMed 0.00204; ESP Exome Variant Server 0.00208.
gnomAD v4.1: 468 of 1,613,168 alleles (0.029%); highest among the groups gnomAD compares: African/African-American, 0.56%; 1 homozygote.

Submissions (5):

Labcorp Genetics (formerly Invitae), Labcorp
Classification: Benign for Citrin deficiency. Last evaluated: 2026-02-01. Review status: criteria provided, single submitter. Criteria: Invitae Variant Classification Sherloc (09022015). Collection method: clinical testing. Allele origin: germline.

Mayo Clinic Laboratories, Mayo Clinic
Classification: Likely benign. Last evaluated: 2025-09-04. Review status: criteria provided, single submitter. Criteria: ACMG Guidelines, 2015. Collection method: clinical testing. Allele origin: germline. Observed: 2 variant alleles.
Comment: BS1, BP4, BP7

GeneDx
Classification: Likely benign. Last evaluated: 2020-01-27. Review status: criteria provided, single submitter. Criteria: GeneDx Variant Classification Process June 2021. Collection method: clinical testing. Allele origin: germline. Affected: yes.

Illumina Laboratory Services, Illumina
Classification: Uncertain significance for Citrullinemia, type II, adult-onset. Last evaluated: 2018-03-30. Review status: criteria provided, single submitter. Criteria: ICSL Variant Classification Criteria 13 December 2019. Collection method: clinical testing. Allele origin: germline.

Eurofins Ntd Llc (ga)
Classification: Likely benign. Last evaluated: 2015-02-04. Review status: criteria provided, single submitter. Criteria: EGL Classification Definitions 2015. Collection method: clinical testing. Allele origin: germline. Observed: 1 variant allele, 1 heterozygote.

NM_014251.3(SLC25A13):c.1434G>T (p.Gly478=)

Gene: SLC25A13 (solute carrier family 25 member 13; minus strand). Cytogenetic location: 7q21.3.
Variant type: single nucleotide variant.
Coding change: c.1434G>T on transcript NM_014251.3 (MANE Select); coding-DNA position 1434, G replaced by T.
Protein change: p.Gly478=; no amino-acid change (glycine 478 retained).
Molecular consequence: synonymous variant. On other transcripts: non-coding transcript variant (1).
Genome position (GRCh38, 1-based): chr7:96,146,574, C>A on the plus strand (G>T on the coding strand, the complement: SLC25A13 is on the minus strand). VCF-style: chr7-96146574-C-A. GRCh37 (hg19) VCF-style: chr7-95775886-C-A.
Other names: p.Gly478=; c.1437G>T, p.Gly479= (NM_001160210.2).
Identifiers: ClinVar variation 194403 (VCV000194403.21), dbSNP rs146111714, ClinGen allele CA201166.